The following is an entry in ClinVar:

NM_000426.4(LAMA2):c.3213A>G (p.Gln1071=)

Gene: LAMA2 (laminin subunit alpha 2; plus strand). Cytogenetic location: 6q22.33.
Variant type: single nucleotide variant.
Coding change: c.3213A>G on transcript NM_000426.4 (MANE Select); coding-DNA position 3213, A replaced by G.
Protein change: p.Gln1071=; no amino-acid change (glutamine 1071 retained).
Molecular consequence: synonymous variant.
Genome position (GRCh38, 1-based): chr6:129,312,899, A>G. VCF-style: chr6-129312899-A-G. GRCh37 (hg19) VCF-style: chr6-129634044-A-G.
Other names: c.3213A>G, p.Gln1071= (NM_001079823.2).
Identifiers: ClinVar variation 702254 (VCV000702254.14), dbSNP rs372938168, ClinGen allele CA3993209.

ClinVar aggregate classification (germline): Benign/Likely benign. Review status: criteria provided, multiple submitters, no conflicts (2 of 4 stars). 3 submissions from 3 submitters: Benign (1); Likely benign (1). 1 of the submissions does not count toward it. Last evaluated 2026-01-19.

Conditions:
LAMA2-related muscular dystrophy (LAMA2-RD). Also called: Laminin alpha 2-related dystrophy. Identifiers: MedGen C5679788, MONDO:0100228.
LAMA2-related disorder. Also called: LAMA2-related disorders; LAMA2-related condition.

Allele frequency attached by ClinVar (database versions not stated): gnomAD exomes 0.00010 and 0.00022; TOPMed 0.00015; gnomAD 0.00021 and 0.00025; ExAC 0.00028; ESP Exome Variant Server 0.00031; 1000 Genomes Project 0.00060; 1000 Genomes Project 30x 0.00062.
gnomAD v4.1: 182 of 1,614,136 alleles (0.011%); highest among the groups gnomAD compares: South Asian, 0.14%; 5 homozygotes.

Submissions (3):

Labcorp Genetics (formerly Invitae), Labcorp
Classification: Benign for LAMA2-related muscular dystrophy. Last evaluated: 2026-01-19. Review status: criteria provided, single submitter. Criteria: Invitae Variant Classification Sherloc (09022015). Collection method: clinical testing. Allele origin: germline.

Blueprint Genetics
Classification: Likely benign. Last evaluated: 2023-12-04. Review status: criteria provided, single submitter. Criteria: ACMG Guidelines, 2015. Collection method: clinical testing. Allele origin: germline.

PreventionGenetics, part of Exact Sciences
Classification: Likely benign for LAMA2-related condition. Last evaluated: 2019-05-22. Review status: no assertion criteria provided. Collection method: clinical testing. Allele origin: germline. Not counted in ClinVar's aggregate classification.
Comment: This variant is classified as likely benign based on ACMG/AMP sequence variant interpretation guidelines (Richards et al. 2015 PMID: 25741868, with internal and published modifications).